The following is an entry in ClinVar:

NM_001370100.5(ZMYND11):c.1278G>A (p.Thr426=)

Genes: ZMYND11 (zinc finger MYND-type containing 11; plus strand), LOC126860802 (BRD4-independent group 4 enhancer GRCh37_chr10:294268-295467; plus strand). Cytogenetic location: 10p15.3.
Variant type: single nucleotide variant.
Coding change: c.1278G>A on transcript NM_001370100.5 (MANE Select); coding-DNA position 1278, G replaced by A.
Protein change: p.Thr426=; no amino-acid change (threonine 426 retained).
Molecular consequence: synonymous variant. On other transcripts: non-coding transcript variant (1).
Genome position (GRCh38, 1-based): chr10:248,386, G>A. VCF-style: chr10-248386-G-A. GRCh37 (hg19) VCF-style: chr10-294326-G-A.
Other names: c.1185G>A, p.Thr395= (NM_001370114.2, NM_001370113.2); c.1275G>A, p.Thr425= (NM_001370115.2, NM_212479.4); c.1212G>A, p.Thr404= (NM_001370116.2); c.1209G>A, p.Thr403= (NM_001370117.2); c.1158G>A, p.Thr386= (NM_001370118.2); c.1131G>A, p.Thr377= (NM_001370119.2); c.1050G>A, p.Thr350= (NM_001370120.2); c.996G>A, p.Thr332= (NM_001370121.2); and 8 more.
Identifiers: ClinVar variation 2640265 (VCV002640265.26), dbSNP rs146838489, ClinGen allele CA5379211.
Genomic context (GRCh38, chr10:248,386, plus strand): 5'-CACCTTTTAGGAACCAGAGCCTGAAACAGAAGCAGTAAGTTCTAGCCAGGAAATACCCAC[G>A]ATGCCTCAGCCCATCGAAAAAGTCTCCGTGTCAACTCAGACAAAGAAGTTAAGTGCCTCT-3'
Protein context (NP_001357029.1, residues 416-436): EAVSSSQEIP[Thr426=]MPQPIEKVSV

ClinVar aggregate classification (germline): Likely benign. Review status: criteria provided, multiple submitters, no conflicts (2 of 4 stars). 2 submissions from 2 submitters: Likely benign (2). Last evaluated 2026-01-12.

Allele frequency attached by ClinVar (database versions not stated): ExAC 0.00004; gnomAD 0.00005; TOPMed 0.00006; ESP Exome Variant Server 0.00015.
gnomAD v4.1: 50 of 1,614,014 alleles (0.0031%); highest among the groups gnomAD compares: African/African-American, 0.004%; no homozygotes.

Submissions (2):

Labcorp Genetics (formerly Invitae), Labcorp
Classification: Likely benign. Last evaluated: 2026-01-12. Review status: criteria provided, single submitter. Criteria: Invitae Variant Classification Sherloc (09022015). Collection method: clinical testing. Allele origin: germline.

CeGaT Center for Human Genetics Tuebingen
Classification: Likely benign. Last evaluated: 2023-09-01. Review status: criteria provided, single submitter. Criteria: CeGaT Center For Human Genetics Tuebingen Variant Classification Criteria Version 2. Collection method: clinical testing. Allele origin: germline. Affected: yes. Observed: 2 variant alleles.
Comment: ZMYND11: BP4, BP7